The following is an entry in ClinVar:

ClinVar aggregate classification (germline): Uncertain significance (1 of 4 stars; one submission).

Submission:

Labcorp Genetics (formerly Invitae), Labcorp
Classification: Uncertain significance. Last evaluated: 2021-12-02. Review status: criteria provided, single submitter. Criteria: Invitae Variant Classification Sherloc (09022015). Collection method: clinical testing. Allele origin: germline.
Comment: This sequence change falls in intron 10 of the GUF1 gene. It does not directly change the encoded amino acid sequence of the GUF1 protein. It affects a nucleotide within the consensus splice site. This variant is not present in population databases (gnomAD no frequency). This variant has not been reported in the literature in individuals affected with GUF1-related conditions. Variants that disrupt the consensus splice site are a relatively common cause of aberrant splicing (PMID: 17576681, 9536098). Algorithms developed to predict the effect of sequence changes on RNA splicing suggest that this variant may disrupt the consensus splice site. In summary, the available evidence is currently insufficient to determine the role of this variant in disease. Therefore, it has been classified as a Variant of Uncertain Significance.

Literature cited by the submitters: PubMed 17576681; PubMed 9536098.

NM_021927.3(GUF1):c.1203-3C>A

Gene: GUF1 (GTP binding elongation factor GUF1; plus strand). Cytogenetic location: 4p12.
Variant type: single nucleotide variant.
Coding change: c.1203-3C>A on transcript NM_021927.3 (MANE Select); 3 bases into the intron before coding-DNA position 1203, C replaced by A.
Molecular consequence: intron variant.
Genome position (GRCh38, 1-based): chr4:44,689,840, C>A. VCF-style: chr4-44689840-C-A. GRCh37 (hg19) VCF-style: chr4-44691857-C-A.
Other names: c.1203-3C>A (NM_001345868.2); c.231-3C>A (NM_001345867.2, NM_001345869.2).
Identifiers: ClinVar variation 1522237 (VCV001522237.6), dbSNP rs368954841, ClinGen allele CA2573137734.